The following is an entry in ClinVar:

NM_014915.3(ANKRD26):c.-115G>C

Gene: ANKRD26 (ankyrin repeat domain 26; minus strand). Cytogenetic location: 10p12.1.
Variant type: single nucleotide variant.
Coding change: c.-115G>C on transcript NM_014915.3 (MANE Select); 115 bases upstream of the start codon, G replaced by C.
Molecular consequence: 5 prime UTR variant.
Genome position (GRCh38, 1-based): chr10:27,100,441, C>G on the plus strand (G>C on the coding strand, the complement: ANKRD26 is on the minus strand). VCF-style: chr10-27100441-C-G. GRCh37 (hg19) VCF-style: chr10-27389370-C-G.
Other names: c.-115G>C (NM_001256053.2).
Identifiers: ClinVar variation 2776932 (VCV002776932.3), dbSNP rs1040507405, ClinGen allele CA2608612124.
Genomic context (GRCh38, chr10:27,100,441, plus strand): 5'-CCTCCGGAGCCCAACATAACAAGTCAGCCCCGGCTGGCCGCAGCCTCCCAAAGGAAACTC[C>G]GCGGTTTCCAATCTCTCCCTCCGGGTTACCAAGCAAGCGATCCCGCTAGACACAAGTGCG-3'

ClinVar aggregate classification (germline): Uncertain significance (1 of 4 stars; one submission).

Submission:

Labcorp Genetics (formerly Invitae), Labcorp
Classification: Uncertain significance. Last evaluated: 2024-06-08. Review status: criteria provided, single submitter. Criteria: Invitae Variant Classification Sherloc (09022015). Collection method: clinical testing. Allele origin: germline.
Comment: This variant occurs in a non-coding region of the ANKRD26 gene. It does not change the encoded amino acid sequence of the ANKRD26 protein. This variant is not present in population databases (gnomAD no frequency). This variant has not been reported in the literature in individuals affected with ANKRD26-related conditions. In summary, the available evidence is currently insufficient to determine the role of this variant in disease. Therefore, it has been classified as a Variant of Uncertain Significance.